The following is an entry in ClinVar:

NM_022124.6(CDH23):c.3547C>A (p.His1183Asn)

Genes: C10orf105 (chromosome 10 open reading frame 105; minus strand), CDH23 (cadherin related 23; plus strand). Cytogenetic location: 10q22.1.
Variant type: single nucleotide variant.
Coding change: c.3547C>A on transcript NM_022124.6 (MANE Select); coding-DNA position 3547, C replaced by A.
Protein change: p.His1183Asn; replaces histidine 1183 with asparagine.
Molecular consequence: missense variant. On other transcripts: intron variant (1).
Genome position (GRCh38, 1-based): chr10:71,725,488, C>A. VCF-style: chr10-71725488-C-A. GRCh37 (hg19) VCF-style: chr10-73485245-C-A.
Other names: c.3547C>A, p.His1183Asn (NM_001171930.2); c.-5-9146G>T (NM_001168390.2); short protein forms H1183N.
Identifiers: ClinVar variation 878720 (VCV000878720.46), dbSNP rs780886093, ClinGen allele CA5544758.

ClinVar aggregate classification (germline): Uncertain significance. Review status: criteria provided, multiple submitters, no conflicts (2 of 4 stars). 3 submissions from 2 submitters: Uncertain significance (3). Last evaluated 2022-01-14.

Conditions:
Usher syndrome type 1D (USH1D). Also called: USHER SYNDROME, TYPE ID. Identifiers: Orphanet 231169, Orphanet 886, MedGen C1832845, MONDO:0010984, OMIM 601067.
Autosomal recessive nonsyndromic hearing loss 12. Also called: DEAFNESS, AUTOSOMAL RECESSIVE 12. Identifiers: Orphanet 90636, MedGen C1832394, MONDO:0011067, OMIM 601386.

Allele frequency attached by ClinVar (database versions not stated): gnomAD exomes 0.00001; TOPMed 0.00004; ExAC 0.00003.
gnomAD v4.1: 41 of 1,613,894 alleles (0.0025%); highest among the groups gnomAD compares: Non-Finnish European, 0.0034%; no homozygotes.

Submissions (3):

Labcorp Genetics (formerly Invitae), Labcorp
Classification: Uncertain significance. Last evaluated: 2022-01-14. Review status: criteria provided, single submitter. Criteria: Invitae Variant Classification Sherloc (09022015). Collection method: clinical testing. Allele origin: germline.
Comment: This sequence change replaces histidine, which is basic and polar, with asparagine, which is neutral and polar, at codon 1183 of the CDH23 protein (p.His1183Asn). This variant is present in population databases (rs780886093, gnomAD 0.003%). This variant has not been reported in the literature in individuals affected with CDH23-related conditions. ClinVar contains an entry for this variant (Variation ID: 878720). Algorithms developed to predict the effect of missense changes on protein structure and function are either unavailable or do not agree on the potential impact of this missense change (SIFT: "Tolerated"; PolyPhen-2: "Not Available"; Align-GVGD: "Class C0"). In summary, the available evidence is currently insufficient to determine the role of this variant in disease. Therefore, it has been classified as a Variant of Uncertain Significance.

Illumina Laboratory Services, Illumina
Classification: Uncertain significance for Usher syndrome type 1D. Last evaluated: 2018-01-13. Review status: criteria provided, single submitter. Criteria: ICSL Variant Classification Criteria 13 December 2019. Collection method: clinical testing. Allele origin: germline.

Illumina Laboratory Services, Illumina
Classification: Uncertain significance for Autosomal recessive nonsyndromic hearing loss 12. Last evaluated: 2018-01-13. Review status: criteria provided, single submitter. Criteria: ICSL Variant Classification Criteria 13 December 2019. Collection method: clinical testing. Allele origin: germline.